The following is an entry in ClinVar:

NM_021098.3(CACNA1H):c.2054T>C (p.Leu685Pro)

Gene: CACNA1H (calcium voltage-gated channel subunit alpha1 H; plus strand). Cytogenetic location: 16p13.3.
Variant type: single nucleotide variant.
Coding change: c.2054T>C on transcript NM_021098.3 (MANE Select); coding-DNA position 2054, T replaced by C.
Protein change: p.Leu685Pro; replaces leucine 685 with proline.
Molecular consequence: missense variant.
Genome position (GRCh38, 1-based): chr16:1,204,061, T>C. VCF-style: chr16-1204061-T-C. GRCh37 (hg19) VCF-style: chr16-1254061-T-C.
Other names: c.2054T>C (NM_021098.2); c.2054T>C, p.Leu685Pro (NM_001005407.2); short protein forms L685P.
Identifiers: ClinVar variation 1404851 (VCV001404851.9), dbSNP rs2141277907, ClinGen allele CA394165418.

ClinVar aggregate classification (germline): Uncertain significance. Review status: criteria provided, multiple submitters, no conflicts (2 of 4 stars). 2 submissions from 2 submitters: Uncertain significance (2). Last evaluated 2025-04-15.

Conditions:
Idiopathic generalized epilepsy. Also called: Generalised epilepsy; EIG. Identifiers: MedGen C0270850, MONDO:0005579, OMIM 600669.
Hyperaldosteronism, familial, type IV (HALD4). Also called: FH IV; ALDOSTERONISM, PRIMARY, AND HYPERTENSION. Identifiers: Orphanet 642671, MedGen C4310756, MONDO:0014875, OMIM 617027.

Allele frequency attached by ClinVar (database versions not stated): gnomAD exomes below 0.00001.

Submissions (2):

GeneDx
Classification: Uncertain significance. Last evaluated: 2025-04-15. Review status: criteria provided, single submitter. Criteria: GeneDx Variant Classification Process June 2021. Collection method: clinical testing. Allele origin: germline. Affected: yes.
Comment: Not observed at significant frequency in large population cohorts (gnomAD); In silico analysis indicates that this missense variant does not alter protein structure/function; Has not been previously published as pathogenic or benign to our knowledge

Labcorp Genetics (formerly Invitae), Labcorp
Classification: Uncertain significance for Idiopathic generalized epilepsy; Hyperaldosteronism, familial, type IV. Last evaluated: 2022-05-31. Review status: criteria provided, single submitter. Criteria: Invitae Variant Classification Sherloc (09022015). Collection method: clinical testing. Allele origin: germline.
Comment: In summary, the available evidence is currently insufficient to determine the role of this variant in disease. Therefore, it has been classified as a Variant of Uncertain Significance. Advanced modeling of protein sequence and biophysical properties (such as structural, functional, and spatial information, amino acid conservation, physicochemical variation, residue mobility, and thermodynamic stability) performed at Invitae indicates that this missense variant is not expected to disrupt CACNA1H protein function. ClinVar contains an entry for this variant (Variation ID: 1404851). This variant has not been reported in the literature in individuals affected with CACNA1H-related conditions. This variant is not present in population databases (gnomAD no frequency). This sequence change replaces leucine, which is neutral and non-polar, with proline, which is neutral and non-polar, at codon 685 of the CACNA1H protein (p.Leu685Pro).